The following is an entry in ClinVar:

NM_024105.4(ALG12):c.1362C>T (p.Val454=)

Gene: ALG12 (ALG12 alpha-1,6-mannosyltransferase; minus strand). Cytogenetic location: 22q13.33.
Variant type: single nucleotide variant.
Coding change: c.1362C>T on transcript NM_024105.4 (MANE Select); coding-DNA position 1362, C replaced by T.
Protein change: p.Val454=; no amino-acid change (valine 454 retained).
Molecular consequence: synonymous variant.
Genome position (GRCh38, 1-based): chr22:49,903,943, G>A on the plus strand (C>T on the coding strand, the complement: ALG12 is on the minus strand). VCF-style: chr22-49903943-G-A. GRCh37 (hg19) VCF-style: chr22-50297591-G-A.
Identifiers: ClinVar variation 342042 (VCV000342042.40), dbSNP rs12163163, ClinGen allele CA10300232.

ClinVar aggregate classification (germline): Conflicting classifications of pathogenicity. Review status: criteria provided, conflicting classifications (1 of 4 stars). 3 submissions from 3 submitters: Uncertain significance (1); Benign (1); Likely benign (1). Last evaluated 2026-01-26.

Conditions:
ALG12-congenital disorder of glycosylation (CDG1G). Also called: Congenital disorder of glycosylation, type Ig; CDG Ig; ALG12-CDG. Identifiers: Orphanet 79324, MedGen C2931001, MONDO:0011783, OMIM 607143.

Allele frequency attached by ClinVar (database versions not stated): TOPMed 0.00046; gnomAD 0.00057 and 0.00041; gnomAD exomes 0.00088 and 0.00110; ExAC 0.00102; 1000 Genomes Project 30x 0.00109; 1000 Genomes Project 0.00120; ESP Exome Variant Server 0.00038.
gnomAD v4.1: 1,662 of 1,614,206 alleles (0.1%); highest among the groups gnomAD compares: East Asian, 1.7%; 13 homozygotes.

Submissions (3):

Labcorp Genetics (formerly Invitae), Labcorp
Classification: Benign for ALG12-congenital disorder of glycosylation. Last evaluated: 2026-01-26. Review status: criteria provided, single submitter. Criteria: Invitae Variant Classification Sherloc (09022015). Collection method: clinical testing. Allele origin: germline.

CeGaT Center for Human Genetics Tuebingen
Classification: Likely benign. Last evaluated: 2022-06-01. Review status: criteria provided, single submitter. Criteria: CeGaT Center For Human Genetics Tuebingen Variant Classification Criteria Version 2. Collection method: clinical testing. Allele origin: germline. Affected: yes. Observed: 1 variant allele.
Comment: ALG12: BP4, BP7

Illumina Laboratory Services, Illumina
Classification: Uncertain significance for ALG12-congenital disorder of glycosylation. Last evaluated: 2018-01-13. Review status: criteria provided, single submitter. Criteria: ICSL Variant Classification Criteria 13 December 2019. Collection method: clinical testing. Allele origin: germline.